The following is an entry in ClinVar:

ClinVar aggregate classification (germline): Uncertain significance. Review status: criteria provided, multiple submitters, no conflicts (2 of 4 stars). 4 submissions from 4 submitters: Uncertain significance (4). Last evaluated 2025-04-28.

Conditions:
Inborn genetic diseases. Identifiers: MedGen C0950123, MeSH D030342.
Lethal multiple pterygium syndrome (LMPS). Identifiers: Orphanet 33108, MedGen C1854678, MONDO:0009668, OMIM 253290.

Allele frequency attached by ClinVar (database versions not stated): gnomAD exomes 0.00004; ExAC 0.00007; 1000 Genomes Project 30x 0.00016; 1000 Genomes Project 0.00020; gnomAD 0.00023 and 0.00025; TOPMed 0.00023; ESP Exome Variant Server 0.00038.
gnomAD v4.1: 54 of 1,614,054 alleles (0.0033%); highest among the groups gnomAD compares: African/African-American, 0.071%; no homozygotes.

Submissions (4):

Ambry Genetics
Classification: Uncertain significance for Inborn genetic diseases. Last evaluated: 2025-04-28. Review status: criteria provided, single submitter. Criteria: Ambry Variant Classification Scheme 2023. Collection method: clinical testing. Allele origin: germline.

Labcorp Genetics (formerly Invitae), Labcorp
Classification: Uncertain significance for Lethal multiple pterygium syndrome. Last evaluated: 2024-12-13. Review status: criteria provided, single submitter. Criteria: Invitae Variant Classification Sherloc (09022015). Collection method: clinical testing. Allele origin: germline.
Comment: This sequence change replaces tyrosine, which is neutral and polar, with histidine, which is basic and polar, at codon 269 of the CHRND protein (p.Tyr269His). This variant is present in population databases (rs141627135, gnomAD 0.06%). This variant has not been reported in the literature in individuals affected with CHRND-related conditions. ClinVar contains an entry for this variant (Variation ID: 198435). Invitae Evidence Modeling of protein sequence and biophysical properties (such as structural, functional, and spatial information, amino acid conservation, physicochemical variation, residue mobility, and thermodynamic stability) has been performed for this missense variant. However, the output from this modeling did not meet the statistical confidence thresholds required to predict the impact of this variant on CHRND protein function. In summary, the available evidence is currently insufficient to determine the role of this variant in disease. Therefore, it has been classified as a Variant of Uncertain Significance.

Eurofins Ntd Llc (ga)
Classification: Uncertain significance. Last evaluated: 2014-11-25. Review status: criteria provided, single submitter. Criteria: EGL Classification Definitions 2015. Collection method: clinical testing. Allele origin: germline. Observed: 1 variant allele, 1 heterozygote.

Breakthrough Genomics
Classification: Uncertain significance. Review status: criteria provided, single submitter. Criteria: ACMG Guidelines, 2015. Collection method: not provided. Allele origin: germline. Inheritance: Autosomal recessive inheritance. Affected: yes.

NM_000751.3(CHRND):c.805T>C (p.Tyr269His)

Gene: CHRND (cholinergic receptor nicotinic delta subunit; plus strand). Cytogenetic location: 2q37.1.
Variant type: single nucleotide variant.
Coding change: c.805T>C on transcript NM_000751.3 (MANE Select); coding-DNA position 805, T replaced by C.
Protein change: p.Tyr269His; replaces tyrosine 269 with histidine.
Molecular consequence: missense variant. On other transcripts: intron variant (1).
Genome position (GRCh38, 1-based): chr2:232,530,124, T>C. VCF-style: chr2-232530124-T-C. GRCh37 (hg19) VCF-style: chr2-233394834-T-C.
Other names: c.760T>C, p.Tyr254His (NM_001256657.2); c.502T>C, p.Tyr168His (NM_001311196.2); c.239-1228T>C (NM_001311195.2); c.805T>C (NM_000751.1); short protein forms Y269H, Y168H, Y254H.
Identifiers: ClinVar variation 198435 (VCV000198435.13), dbSNP rs141627135, ClinGen allele CA247088.
Genomic context (GRCh38, chr2:232,530,124, plus strand): 5'-TACATCATCAACATCCTGGTGCCCTGCGTGCTCATCTCCTTCATGGTCAACCTGGTCTTC[T>C]ACCTACCGGCTGACAGTGAGCCTCCAGGCCCCGTCCCCTGCTCCCCCTCCCCAAGCCCAC-3'
Protein context (NP_000742.1, residues 259-279): LISFMVNLVF[Tyr269His]LPADSGEKTS